The following is an entry in ClinVar:

NM_032387.5(WNK4):c.1090T>G (p.Cys364Gly)

Genes: WNK4 (WNK lysine deficient protein kinase 4; plus strand), LOC126862568 (CDK7 strongly-dependent group 2 enhancer GRCh37_chr17:40934948-40936147; plus strand). Cytogenetic location: 17q21.2.
Variant type: single nucleotide variant.
Coding change: c.1090T>G on transcript NM_032387.5 (MANE Select); coding-DNA position 1090, T replaced by G.
Protein change: p.Cys364Gly; replaces cysteine 364 with glycine.
Molecular consequence: missense variant.
Genome position (GRCh38, 1-based): chr17:42,784,499, T>G. VCF-style: chr17-42784499-T-G. GRCh37 (hg19) VCF-style: chr17-40936517-T-G.
Other names: c.171T>G, p.Cys57Trp (NM_001321299.2); short protein forms C364G, C57W.
Identifiers: ClinVar variation 2776855 (VCV002776855.4), dbSNP rs1275710537, ClinGen allele CA399651767.

ClinVar aggregate classification (germline): Uncertain significance. Review status: criteria provided, multiple submitters, no conflicts (2 of 4 stars). 2 submissions from 2 submitters: Uncertain significance (2). Last evaluated 2023-08-11.

Allele frequency attached by ClinVar (database versions not stated): TOPMed 0.00001.

Submissions (2):

Labcorp Genetics (formerly Invitae), Labcorp
Classification: Uncertain significance. Last evaluated: 2023-08-11. Review status: criteria provided, single submitter. Criteria: Invitae Variant Classification Sherloc (09022015). Collection method: clinical testing. Allele origin: germline.
Comment: This sequence change replaces cysteine, which is neutral and slightly polar, with glycine, which is neutral and non-polar, at codon 364 of the WNK4 protein (p.Cys364Gly). This variant is not present in population databases (gnomAD no frequency). This variant has not been reported in the literature in individuals affected with WNK4-related conditions. Advanced modeling of protein sequence and biophysical properties (such as structural, functional, and spatial information, amino acid conservation, physicochemical variation, residue mobility, and thermodynamic stability) performed at Invitae indicates that this missense variant is expected to disrupt WNK4 protein function. In summary, the available evidence is currently insufficient to determine the role of this variant in disease. Therefore, it has been classified as a Variant of Uncertain Significance.

Breakthrough Genomics
Classification: Uncertain significance. Review status: criteria provided, single submitter. Criteria: ACMG Guidelines, 2015. Collection method: not provided. Allele origin: germline. Inheritance: Autosomal dominant inheritance. Affected: yes.